The following is an entry in ClinVar:

NM_152707.4(SLC25A16):c.793C>T (p.Arg265Cys)

Gene: SLC25A16 (solute carrier family 25 member 16; minus strand). Cytogenetic location: 10q21.3.
Variant type: single nucleotide variant.
Coding change: c.793C>T on transcript NM_152707.4 (MANE Select); coding-DNA position 793, C replaced by T.
Protein change: p.Arg265Cys; replaces arginine 265 with cysteine.
Molecular consequence: missense variant. On other transcripts: non-coding transcript variant (1).
Genome position (GRCh38, 1-based): chr10:68,487,193, G>A on the plus strand (C>T on the coding strand, the complement: SLC25A16 is on the minus strand). VCF-style: chr10-68487193-G-A. GRCh37 (hg19) VCF-style: chr10-70246950-G-A.
Other names: c.793C>T, p.Arg265Cys (NM_001324312.2, NM_001324313.2); c.499C>T, p.Arg167Cys (NM_001324314.2, NM_001324315.1); c.391C>T, p.Arg131Cys (NM_001324317.2); short protein forms R265C, R131C, R167C.
Identifiers: ClinVar variation 224813 (VCV000224813.2), dbSNP rs869312864, ClinGen allele CA357913.

ClinVar aggregate classification (germline): Likely pathogenic (1 of 4 stars; one submission).

Conditions:
Cerebral visual impairment and intellectual disability.

Allele frequency attached by ClinVar (database versions not stated): gnomAD 0.00001; TOPMed 0.00001.
gnomAD v4.1: 13 of 1,613,364 alleles (0.00081%); highest among the groups gnomAD compares: Admixed American, 0.0017%; no homozygotes.

Submission:

Lupski Lab, Baylor-Hopkins CMG, Baylor College of Medicine
Classification: Likely pathogenic for Cerebral visual impairment and intellectual disability. Last evaluated: 2015-09-09. Review status: criteria provided, single submitter. Criteria: Bosch et al. (EJHG 2015). Collection method: research. Allele origin: de novo. Affected: yes. Observed: 1 variant allele, 1 heterozygote.
Comment: This study shows that diverse genetic causes underlie CVI.